The following is an entry in ClinVar:

NM_001378454.1(ALMS1):c.8323A>G (p.Lys2775Glu)

Gene: ALMS1 (ALMS1 centrosome and basal body associated protein; plus strand). Cytogenetic location: 2p13.1.
Variant type: single nucleotide variant.
Coding change: c.8323A>G on transcript NM_001378454.1 (MANE Select); coding-DNA position 8323, A replaced by G.
Protein change: p.Lys2775Glu; replaces lysine 2775 with glutamic acid.
Molecular consequence: missense variant.
Genome position (GRCh38, 1-based): chr2:73,490,282, A>G. VCF-style: chr2-73490282-A-G. GRCh37 (hg19) VCF-style: chr2-73717409-A-G.
Other names: c.8326A>G, p.Lys2776Glu (NM_015120.4); short protein forms K2776E, K2775E.
Identifiers: ClinVar variation 651901 (VCV000651901.6), dbSNP rs1572969570, ClinGen allele CA347268247.

ClinVar aggregate classification (germline): Uncertain significance (1 of 4 stars; one submission).

Conditions:
Alstrom syndrome (ALMS). Identifiers: Orphanet 64, MedGen C0268425, MONDO:0008763, OMIM 203800.

Allele frequency attached by ClinVar (database versions not stated): gnomAD exomes 0.00001.
gnomAD v4.1: 10 of 1,613,712 alleles (0.00062%); highest among the groups gnomAD compares: Non-Finnish European, 0.00085%; no homozygotes.

Submission:

Labcorp Genetics (formerly Invitae), Labcorp
Classification: Uncertain significance for Alstrom syndrome. Last evaluated: 2022-08-23. Review status: criteria provided, single submitter. Criteria: Invitae Variant Classification Sherloc (09022015). Collection method: clinical testing. Allele origin: germline.
Comment: This sequence change replaces lysine, which is basic and polar, with glutamic acid, which is acidic and polar, at codon 2776 of the ALMS1 protein (p.Lys2776Glu). This variant is not present in population databases (gnomAD no frequency). This variant has not been reported in the literature in individuals affected with ALMS1-related conditions. ClinVar contains an entry for this variant (Variation ID: 651901). In summary, the available evidence is currently insufficient to determine the role of this variant in disease. Therefore, it has been classified as a Variant of Uncertain Significance.